The following is an entry in ClinVar:

NM_024529.5(CDC73):c.512+3A>C

Gene: CDC73 (cell division cycle 73; plus strand). Cytogenetic location: 1q31.2.
Variant type: single nucleotide variant.
Coding change: c.512+3A>C on transcript NM_024529.5 (MANE Select); 3 bases into the intron after coding-DNA position 512, A replaced by C.
Molecular consequence: intron variant.
Genome position (GRCh38, 1-based): chr1:193,138,176, A>C. VCF-style: chr1-193138176-A-C. GRCh37 (hg19) VCF-style: chr1-193107306-A-C.
Identifiers: ClinVar variation 582191 (VCV000582191.8), dbSNP rs1558283570, ClinGen allele CA891843452.

ClinVar aggregate classification (germline): Uncertain significance. Review status: criteria provided, multiple submitters, no conflicts (2 of 4 stars). 2 submissions from 2 submitters: Uncertain significance (2). Last evaluated 2025-11-10.

Conditions:
Hereditary cancer-predisposing syndrome. Also called: Neoplastic Syndromes, Hereditary; Hereditary Cancer Syndrome; Tumor predisposition; Hereditary neoplastic syndrome. Identifiers: Orphanet 140162, MedGen C0027672, MeSH D009386, MONDO:0015356.
Parathyroid carcinoma (PRTC). Also called: CDC73-Related Parathyroid Carcinoma; Parathyroid gland carcinoma. Identifiers: Orphanet 143, MedGen C0687150, MONDO:0012004, OMIM 608266, HP:0006780.

Submissions (2):

Ambry Genetics
Classification: Uncertain significance for Hereditary cancer-predisposing syndrome. Last evaluated: 2025-11-10. Review status: criteria provided, single submitter. Criteria: Ambry Variant Classification Scheme 2023. Collection method: clinical testing. Allele origin: germline.
Comment: The c.512+3A>C intronic variant results from an A to C substitution 3 nucleotides after coding exon 6 in the CDC73 gene. This nucleotide position is well conserved in available vertebrate species. In silico splice site analysis predicts that this alteration will weaken the native splice donor site. Based on the available evidence, the clinical significance of this variant remains unclear.

Labcorp Genetics (formerly Invitae), Labcorp
Classification: Uncertain significance for Parathyroid carcinoma. Last evaluated: 2018-02-20. Review status: criteria provided, single submitter. Criteria: Invitae Variant Classification Sherloc (09022015). Collection method: clinical testing. Allele origin: germline.
Comment: This sequence change falls in intron 6 of the CDC73 gene. It does not directly change the encoded amino acid sequence of the CDC73 protein, but it affects a nucleotide within the consensus splice site of the intron. In summary, the available evidence is currently insufficient to determine the role of this variant in disease. Therefore, it has been classified as a Variant of Uncertain Significance. Nucleotide substitutions within the consensus splice site are a relatively common cause of aberrant splicing (PMID: 17576681, 9536098). Algorithms developed to predict the effect of sequence changes on RNA splicing suggest that this variant may disrupt the consensus splice site, but this prediction has not been confirmed by published transcriptional studies. This variant has not been reported in the literature in individuals with CDC73-related disease. This variant is not present in population databases (ExAC no frequency).

Literature cited by the submitters: PubMed 17576681 (cited by Labcorp Genetics (formerly Invitae), Labcorp); PubMed 9536098 (cited by Labcorp Genetics (formerly Invitae), Labcorp).